The following is an entry in ClinVar:

NM_003611.3(OFD1):c.1730A>G (p.Asn577Ser)

Gene: OFD1 (OFD1 centriole and centriolar satellite protein; plus strand). Cytogenetic location: Xp22.2.
Variant type: single nucleotide variant.
Coding change: c.1730A>G on transcript NM_003611.3 (MANE Select); coding-DNA position 1730, A replaced by G.
Protein change: p.Asn577Ser; replaces asparagine 577 with serine.
Molecular consequence: missense variant.
Genome position (GRCh38, 1-based): chrX:13,760,190, A>G. VCF-style: chrX-13760190-A-G. GRCh37 (hg19) VCF-style: chrX-13778309-A-G.
Other names: c.1610A>G, p.Asn537Ser (NM_001330209.2); c.1310A>G, p.Asn437Ser (NM_001330210.2); short protein forms N577S, N437S, N537S.
Identifiers: ClinVar variation 412878 (VCV000412878.40), dbSNP rs200465596, ClinGen allele CA10351882.

ClinVar aggregate classification (germline): Benign/Likely benign. Review status: criteria provided, multiple submitters, no conflicts (2 of 4 stars). 7 submissions from 7 submitters: Benign (3); Likely benign (3). 1 of the submissions does not count toward it. Last evaluated 2025-12-22.

Conditions:
OFD1-related disorder. Also called: OFD1-related condition.
Joubert syndrome. Also called: JOUBERT-BOLTSHAUSER SYNDROME; Familial aplasia of the vermis. Identifiers: Orphanet 475, MedGen C5979921, MONDO:0018772.
Orofaciodigital syndrome I (OFD1). Also called: OFDS I; Papillon-Leage and Psaume Syndrome; Oral-Facial-Digital Syndrome Type I. Identifiers: Orphanet 2750, MedGen C1510460, MONDO:0010702, OMIM 311200.
Ciliopathy. Also called: Ciliopathies. Identifiers: Orphanet 363250, MedGen C4277690, MONDO:0005308, MeSH D000072661.
Primary ciliary dyskinesia. Also called: Ciliary dyskinesia. Identifiers: Orphanet 244, MedGen C0008780, MONDO:0016575, HP:0012265.

Allele frequency attached by ClinVar (database versions not stated): ESP Exome Variant Server 0.00009; gnomAD exomes 0.00015 and 0.00032; ExAC 0.00017; gnomAD 0.00017; TOPMed 0.00019.
gnomAD v4.1: 195 of 1,210,267 alleles (0.016%); highest among the groups gnomAD compares: Admixed American, 0.0044%; 1 homozygote.

Submissions (7):

Labcorp Genetics (formerly Invitae), Labcorp
Classification: Benign for Orofaciodigital syndrome I; Joubert syndrome. Last evaluated: 2025-12-22. Review status: criteria provided, single submitter. Criteria: Invitae Variant Classification Sherloc (09022015). Collection method: clinical testing. Allele origin: germline.

CeGaT Center for Human Genetics Tuebingen
Classification: Likely benign. Last evaluated: 2024-08-01. Review status: criteria provided, single submitter. Criteria: CeGaT Center For Human Genetics Tuebingen Variant Classification Criteria Version 2. Collection method: clinical testing. Allele origin: germline. Affected: yes. Observed: 2 variant alleles.
Comment: OFD1: BS2

Blueprint Genetics
Classification: Benign. Last evaluated: 2024-06-21. Review status: criteria provided, single submitter. Criteria: ACMG Guidelines, 2015. Collection method: clinical testing. Allele origin: germline.

Department of Pathology and Laboratory Medicine, Sinai Health System
Classification: Likely benign for ciliopathy. Last evaluated: 2020-11-04. Review status: criteria provided, single submitter. Criteria: ACMG Guidelines, 2015. Collection method: research. Allele origin: germline.

Ambry Genetics
Classification: Benign for Primary ciliary dyskinesia. Last evaluated: 2020-03-26. Review status: criteria provided, single submitter. Criteria: Ambry Variant Classification Scheme 2023. Collection method: clinical testing. Allele origin: germline.

GeneDx
Classification: Likely benign. Last evaluated: 2018-06-20. Review status: criteria provided, single submitter. Criteria: GeneDx Variant Classification (06012015). Collection method: clinical testing. Allele origin: germline. Affected: yes.
Comment: This variant is considered likely benign or benign based on one or more of the following criteria: it is a conservative change, it occurs at a poorly conserved position in the protein, it is predicted to be benign by multiple in silico algorithms, and/or has population frequency not consistent with disease.

PreventionGenetics, part of Exact Sciences
Classification: Benign for OFD1-related condition. Last evaluated: 2019-07-25. Review status: no assertion criteria provided. Collection method: clinical testing. Allele origin: germline. Not counted in ClinVar's aggregate classification.
Comment: This variant is classified as benign based on ACMG/AMP sequence variant interpretation guidelines (Richards et al. 2015 PMID: 25741868, with internal and published modifications).